The following is an entry in ClinVar:

NM_005445.4(SMC3):c.2570C>G (p.Thr857Ser)

Gene: SMC3 (structural maintenance of chromosomes 3; plus strand). Cytogenetic location: 10q25.2.
Variant type: single nucleotide variant.
Coding change: c.2570C>G on transcript NM_005445.4 (MANE Select); coding-DNA position 2570, C replaced by G.
Protein change: p.Thr857Ser; replaces threonine 857 with serine.
Molecular consequence: missense variant.
Genome position (GRCh38, 1-based): chr10:110,601,056, C>G. VCF-style: chr10-110601056-C-G. GRCh37 (hg19) VCF-style: chr10-112360814-C-G.
Other names: short protein forms T857S.
Identifiers: ClinVar variation 4747146 (VCV004747146.1).

ClinVar aggregate classification (germline): Uncertain significance (1 of 4 stars; one submission).

Conditions:
Cornelia de Lange syndrome 3 (CDLS3). Also called: SMC3-Related Cornelia de Lange Syndrome; CORNELIA DE LANGE SYNDROME 3 WITH OR WITHOUT MIDLINE BRAIN DEFECTS. Identifiers: Orphanet 199, MedGen C1853099, MONDO:0012555, OMIM 610759.

gnomAD v4.1: 1 of 1,613,258 alleles (0.000062%); highest among the groups gnomAD compares: Non-Finnish European, 0.000085%; no homozygotes.

Submission:

Labcorp Genetics (formerly Invitae), Labcorp
Classification: Uncertain significance for Cornelia de Lange syndrome 3. Last evaluated: 2025-12-30. Review status: criteria provided, single submitter. Criteria: Invitae Variant Classification Sherloc (09022015). Collection method: clinical testing. Allele origin: germline.
Comment: This sequence change replaces threonine, which is neutral and polar, with serine, which is neutral and polar, at codon 857 of the SMC3 protein (p.Thr857Ser). This variant is not present in population databases (gnomAD no frequency). This variant has not been reported in the literature in individuals affected with SMC3-related conditions. Invitae Evidence Modeling of protein sequence and biophysical properties (such as structural, functional, and spatial information, amino acid conservation, physicochemical variation, residue mobility, and thermodynamic stability) has been performed for this missense variant. However, the output from this modeling did not meet the statistical confidence thresholds required to predict the impact of this variant on SMC3 protein function. In summary, the available evidence is currently insufficient to determine the role of this variant in disease. Therefore, it has been classified as a Variant of Uncertain Significance.